The following is an entry in ClinVar:

NM_022124.6(CDH23):c.5985C>T (p.Tyr1995=)

Gene: CDH23 (cadherin related 23; plus strand). Cytogenetic location: 10q22.1.
Variant type: single nucleotide variant.
Coding change: c.5985C>T on transcript NM_022124.6 (MANE Select); coding-DNA position 5985, C replaced by T.
Protein change: p.Tyr1995=; no amino-acid change (tyrosine 1995 retained).
Molecular consequence: synonymous variant.
Genome position (GRCh38, 1-based): chr10:71,790,349, C>T. VCF-style: chr10-71790349-C-T. GRCh37 (hg19) VCF-style: chr10-73550106-C-T.
Identifiers: ClinVar variation 261553 (VCV000261553.24), dbSNP rs370762205, ClinGen allele CA5545953.
Genomic context (GRCh38, chr10:71,790,349, plus strand): 5'-CACCCCTCTCACGGTGCTCAATGGGCCCATCCTGGCCCTGGATGCAGACCAAGACATCTA[C>T]GCCGTGGTGACCTACCAGCTGCTGGGTGCCCAGAGTGGCCTCTTTGACATCAACAGCAGC-3'
Protein context (NP_071407.4, residues 1985-2005): ILALDADQDI[Tyr1995=]AVVTYQLLGA

ClinVar aggregate classification (germline): Conflicting classifications of pathogenicity. Review status: criteria provided, conflicting classifications (1 of 4 stars). 8 submissions from 7 submitters: Uncertain significance (2); Likely benign (6). Last evaluated 2026-01-26.

Conditions:
Usher syndrome type 1D (USH1D). Also called: USHER SYNDROME, TYPE ID. Identifiers: Orphanet 231169, Orphanet 886, MedGen C1832845, MONDO:0010984, OMIM 601067.
Autosomal recessive nonsyndromic hearing loss 12. Also called: DEAFNESS, AUTOSOMAL RECESSIVE 12. Identifiers: Orphanet 90636, MedGen C1832394, MONDO:0011067, OMIM 601386.

Allele frequency attached by ClinVar (database versions not stated): ESP Exome Variant Server 0.00008; TOPMed 0.00008; ExAC 0.00011; gnomAD exomes 0.00011 and 0.00024; gnomAD 0.00014 and 0.00015.

Submissions (8):

Labcorp Genetics (formerly Invitae), Labcorp
Classification: Likely benign. Last evaluated: 2026-01-26. Review status: criteria provided, single submitter. Criteria: Invitae Variant Classification Sherloc (09022015). Collection method: clinical testing. Allele origin: germline.

Blueprint Genetics
Classification: Likely benign. Last evaluated: 2024-11-17. Review status: criteria provided, single submitter. Criteria: ACMG Guidelines, 2015. Collection method: clinical testing. Allele origin: germline.

Women's Health and Genetics/Laboratory Corporation of America, LabCorp
Classification: Likely benign. Last evaluated: 2024-05-17. Review status: criteria provided, single submitter. Criteria: LabCorp Variant Classification Summary - May 2015. Collection method: clinical testing. Allele origin: germline.

GeneDx
Classification: Likely benign. Last evaluated: 2020-07-16. Review status: criteria provided, single submitter. Criteria: GeneDx Variant Classification Process June 2021. Collection method: clinical testing. Allele origin: germline. Affected: yes.

Laboratory for Molecular Medicine, Mass General Brigham Personalized Medicine
Classification: Likely benign. Last evaluated: 2017-09-28. Review status: criteria provided, single submitter. Criteria: LMM Criteria. Collection method: clinical testing. Allele origin: germline. Observed: 1 variant allele.
Comment: p.Tyr1995Tyr in Exon 46 of CDH23: This variant is not expected to have clinical significance because it does not alter an amino acid residue and is not located within the splice consensus sequence. It has been identified 35/275974 of total chromosomes with the highest frequency in 13/25680 of Finish chromosomes by the Genome Aggregation Database (gnomAD; dbSNP rs3 70762205).

Illumina Laboratory Services, Illumina
Classification: Uncertain significance for Usher syndrome type 1D. Last evaluated: 2017-04-28. Review status: criteria provided, single submitter. Criteria: ICSL Variant Classification Criteria 13 December 2019. Collection method: clinical testing. Allele origin: germline.

Illumina Laboratory Services, Illumina
Classification: Uncertain significance for Autosomal recessive nonsyndromic hearing loss 12. Last evaluated: 2017-04-28. Review status: criteria provided, single submitter. Criteria: ICSL Variant Classification Criteria 13 December 2019. Collection method: clinical testing. Allele origin: germline.

PreventionGenetics, part of Exact Sciences
Classification: Likely benign. Review status: criteria provided, single submitter. Criteria: ACMG Guidelines, 2015. Collection method: clinical testing. Allele origin: germline.